The following is an entry in ClinVar:

ClinVar aggregate classification (germline): Uncertain significance (1 of 4 stars; one submission).

Conditions:
Neurodevelopmental disorder with dysmorphic facies and distal limb anomalies. Identifiers: Orphanet 686482, MedGen C4540327, MONDO:0060596, OMIM 617755.

gnomAD v4.1: 5 of 1,545,090 alleles (0.00032%); highest among the groups gnomAD compares: South Asian, 0.0063%; no homozygotes.

Submission:

Neuberg Centre For Genomic Medicine, NCGM
Classification: Uncertain significance for Neurodevelopmental disorder with dysmorphic facies and distal limb anomalies. Last evaluated: 2023-07-22. Review status: criteria provided, single submitter. Criteria: ACMG Guidelines, 2015. Collection method: clinical testing. Allele origin: germline. Inheritance: Autosomal dominant inheritance. Affected: yes.
Comment: The observed missense variant c.7974G>Tp.Met2658Ile in BPTF gene has not been reported previously as a pathogenic variant nor as a benign variant, to our knowledge. This variant is reported with 0.001% allele frequency in gnomAD Exomes. The amino acid Met at position 2658 is changed to a Ile changing protein sequence and it might alter its composition and physico-chemical properties. Computational evidence Polyphen-Benign, SIFT-Damaging and Mutation Taster-polymorphism predicts conflicting evidence on protein structure and function for this variant.The reference amino acid change p.Met2658Ile in BPTF is predicted as conserved by GERP++. For these reasons, this variant has been classified as Uncertain Significance.

NM_182641.4(BPTF):c.7974G>T (p.Met2658Ile)

Gene: BPTF (bromodomain PHD finger transcription factor; plus strand). Cytogenetic location: 17q24.2.
Variant type: single nucleotide variant.
Coding change: c.7974G>T on transcript NM_182641.4 (MANE Select); coding-DNA position 7974, G replaced by T.
Protein change: p.Met2658Ile; replaces methionine 2658 with isoleucine.
Molecular consequence: missense variant.
Genome position (GRCh38, 1-based): chr17:67,959,588, G>T. VCF-style: chr17-67959588-G-T. GRCh37 (hg19) VCF-style: chr17-65955704-G-T.
Other names: c.7923G>T, p.Met2641Ile (NM_004459.7); short protein forms M2641I, M2658I.
Identifiers: ClinVar variation 3391336 (VCV003391336.1).
Genomic context (GRCh38, chr17:67,959,588, plus strand): 5'-TAATTGATAACAGGAAGAGCTGAAGAGAGACCTGAAAATTAAGAAAGAAAAAGACCTGAT[G>T]CAGTTGGCTCAGGCCACAGCAGTAGCTGCACCCTGCCCCCCAGTGACACCAGCTCCTCCA-3'
Protein context (NP_872579.2, residues 2648-2668): DLKIKKEKDL[Met2658Ile]QLAQATAVAA